The following is an entry in ClinVar:

NM_000297.4(PKD2):c.2158A>T (p.Asn720Tyr)

Gene: PKD2 (polycystin 2, transient receptor potential cation channel; plus strand). Cytogenetic location: 4q22.1.
Variant type: single nucleotide variant.
Coding change: c.2158A>T on transcript NM_000297.4 (MANE Select); coding-DNA position 2158, A replaced by T.
Protein change: p.Asn720Tyr; replaces asparagine 720 with tyrosine.
Molecular consequence: missense variant. On other transcripts: non-coding transcript variant (1).
Genome position (GRCh38, 1-based): chr4:88,065,413, A>T. VCF-style: chr4-88065413-A-T. GRCh37 (hg19) VCF-style: chr4-88986565-A-T.
Other names: short protein forms N720Y.
Identifiers: ClinVar variation 3626100 (VCV003626100.2).

ClinVar aggregate classification (germline): Uncertain significance (1 of 4 stars; one submission).

Conditions:
Autosomal dominant polycystic kidney disease. Identifiers: Orphanet 730, MedGen C0085413, MONDO:0004691.

gnomAD v4.1: 61 of 1,612,942 alleles (0.0038%); highest among the groups gnomAD compares: Non-Finnish European, 0.0043%; no homozygotes.

Submission:

Labcorp Genetics (formerly Invitae), Labcorp
Classification: Uncertain significance for Autosomal dominant polycystic kidney disease. Last evaluated: 2024-06-23. Review status: criteria provided, single submitter. Criteria: Invitae Variant Classification Sherloc (09022015). Collection method: clinical testing. Allele origin: germline.
Comment: This sequence change replaces asparagine, which is neutral and polar, with tyrosine, which is neutral and polar, at codon 720 of the PKD2 protein (p.Asn720Tyr). This variant is present in population databases (rs764313037, gnomAD 0.01%). This variant has not been reported in the literature in individuals affected with PKD2-related conditions. Advanced modeling of protein sequence and biophysical properties (such as structural, functional, and spatial information, amino acid conservation, physicochemical variation, residue mobility, and thermodynamic stability) performed at Invitae indicates that this missense variant is not expected to disrupt PKD2 protein function with a negative predictive value of 80%. In summary, the available evidence is currently insufficient to determine the role of this variant in disease. Therefore, it has been classified as a Variant of Uncertain Significance.